The following is an entry in ClinVar:

NM_002317.7(LOX):c.14G>C (p.Trp5Ser)

Genes: LOX (lysyl oxidase; minus strand), SRFBP1 (serum response factor binding protein 1; plus strand). Cytogenetic location: 5q23.1.
Variant type: single nucleotide variant.
Coding change: c.14G>C on transcript NM_002317.7 (MANE Select); coding-DNA position 14, G replaced by C.
Protein change: p.Trp5Ser; replaces tryptophan 5 with serine.
Molecular consequence: missense variant.
Genome position (GRCh38, 1-based): chr5:122,077,972, C>G on the plus strand (G>C on the coding strand, the complement: LOX is on the minus strand). VCF-style: chr5-122077972-C-G. GRCh37 (hg19) VCF-style: chr5-121413667-C-G.
Other names: short protein forms W5S.
Identifiers: ClinVar variation 2797817 (VCV002797817.3), dbSNP rs2532918606, ClinGen allele CA360878984.

ClinVar aggregate classification (germline): Uncertain significance (1 of 4 stars; one submission).

Submission:

Labcorp Genetics (formerly Invitae), Labcorp
Classification: Uncertain significance. Last evaluated: 2023-03-01. Review status: criteria provided, single submitter. Criteria: Invitae Variant Classification Sherloc (09022015). Collection method: clinical testing. Allele origin: germline.
Comment: This variant is not present in population databases (gnomAD no frequency). This sequence change replaces tryptophan, which is neutral and slightly polar, with serine, which is neutral and polar, at codon 5 of the LOX protein (p.Trp5Ser). This variant has not been reported in the literature in individuals affected with LOX-related conditions. Algorithms developed to predict the effect of missense changes on protein structure and function output the following: SIFT: "Not Available"; PolyPhen-2: "Possibly Damaging"; Align-GVGD: "Not Available". The serine amino acid residue is found in multiple mammalian species, which suggests that this missense change does not adversely affect protein function. In summary, the available evidence is currently insufficient to determine the role of this variant in disease. Therefore, it has been classified as a Variant of Uncertain Significance.